The following is an entry in ClinVar:

ClinVar aggregate classification (germline): Uncertain significance (1 of 4 stars; one submission).

Allele frequency attached by ClinVar (database versions not stated): gnomAD 0.00001.
gnomAD v4.1: 7 of 1,614,152 alleles (0.00043%); highest among the groups gnomAD compares: Middle Eastern, 0.016%; no homozygotes.

Submission:

CeGaT Center for Human Genetics Tuebingen
Classification: Uncertain significance. Last evaluated: 2023-05-01. Review status: criteria provided, single submitter. Criteria: CeGaT Center For Human Genetics Tuebingen Variant Classification Criteria Version 2. Collection method: clinical testing. Allele origin: germline. Affected: yes. Observed: 1 variant allele.
Comment: MED13: PM2

NM_005121.3(MED13):c.127A>C (p.Ile43Leu)

Gene: MED13 (mediator complex subunit 13; minus strand). Cytogenetic location: 17q23.2.
Variant type: single nucleotide variant.
Coding change: c.127A>C on transcript NM_005121.3 (MANE Select); coding-DNA position 127, A replaced by C.
Protein change: p.Ile43Leu; replaces isoleucine 43 with leucine.
Molecular consequence: missense variant.
Genome position (GRCh38, 1-based): chr17:62,063,241, T>G on the plus strand (A>C on the coding strand, the complement: MED13 is on the minus strand). VCF-style: chr17-62063241-T-G. GRCh37 (hg19) VCF-style: chr17-60140602-T-G.
Other names: short protein forms I43L.
Identifiers: ClinVar variation 2648023 (VCV002648023.24), dbSNP rs753884067, ClinGen allele CA292866102.